The following is an entry in ClinVar:

NM_032043.3(BRIP1):c.1770C>A (p.Asn590Lys)

Gene: BRIP1 (BRCA1 interacting DNA helicase 1; minus strand). Cytogenetic location: 17q23.2.
Variant type: single nucleotide variant.
Coding change: c.1770C>A on transcript NM_032043.3 (MANE Select); coding-DNA position 1770, C replaced by A.
Protein change: p.Asn590Lys; replaces asparagine 590 with lysine.
Molecular consequence: missense variant.
Genome position (GRCh38, 1-based): chr17:61,780,864, G>T on the plus strand (C>A on the coding strand, the complement: BRIP1 is on the minus strand). VCF-style: chr17-61780864-G-T. GRCh37 (hg19) VCF-style: chr17-59858225-G-T.
Other names: short protein forms N590K.
Identifiers: ClinVar variation 2428152 (VCV002428152.7), dbSNP rs2077606990, ClinGen allele CA400480294.
Genomic context (GRCh38, chr17:61,780,864, plus strand): 5'-AAGAAGACAAAATTTCCATTTACATGATGAGCTTACCACAGCTGGATTTAAGCACCAAAA[G>T]TTTAGCACATGAACTGCAGTTTTCTGTCGTGAACGTTTCTTATTTTTTGGTAGAACCAAC-3'
Protein context (NP_114432.2, residues 580-600): SRQKTAVHVL[Asn590Lys]FWCLNPAVAF

ClinVar aggregate classification (germline): Uncertain significance. Review status: criteria provided, multiple submitters, no conflicts (2 of 4 stars). 2 submissions from 2 submitters: Uncertain significance (2). Last evaluated 2025-08-08.

Conditions:
Familial cancer of breast. Also called: BREAST CANCER, FAMILIAL; hereditary breast carcinoma; Hereditary breast cancer. Identifiers: Orphanet 227535, MedGen C0346153, MONDO:0016419, OMIM 114480. Disease mechanism: loss of function.
Fanconi anemia complementation group J. Also called: BRIP1-Related Fanconi Anemia. Identifiers: Orphanet 84, MedGen C1836860, MONDO:0012187, OMIM 609054.
Hereditary cancer-predisposing syndrome. Also called: Hereditary neoplastic syndrome; Hereditary Cancer Syndrome; Tumor predisposition; Neoplastic Syndromes, Hereditary. Identifiers: Orphanet 140162, MedGen C0027672, MeSH D009386, MONDO:0015356.

Submissions (2):

Ambry Genetics
Classification: Uncertain significance for Hereditary cancer-predisposing syndrome. Last evaluated: 2025-08-08. Review status: criteria provided, single submitter. Criteria: Ambry Variant Classification Scheme 2023. Collection method: clinical testing. Allele origin: germline.
Comment: The p.N590K variant (also known as c.1770C>A), located in coding exon 11 of the BRIP1 gene, results from a C to A substitution at nucleotide position 1770. The asparagine at codon 590 is replaced by lysine, an amino acid with similar properties. This amino acid position is conserved. In addition, this alteration is predicted to be tolerated by in silico analysis. Based on the available evidence, the clinical significance of this variant remains unclear.

Labcorp Genetics (formerly Invitae), Labcorp
Classification: Uncertain significance for Familial cancer of breast; Fanconi anemia complementation group J. Last evaluated: 2024-04-24. Review status: criteria provided, single submitter. Criteria: Invitae Variant Classification Sherloc (09022015). Collection method: clinical testing. Allele origin: germline.
Comment: This sequence change replaces asparagine, which is neutral and polar, with lysine, which is basic and polar, at codon 590 of the BRIP1 protein (p.Asn590Lys). This variant is not present in population databases (gnomAD no frequency). This variant has not been reported in the literature in individuals affected with BRIP1-related conditions. ClinVar contains an entry for this variant (Variation ID: 2428152). Advanced modeling of protein sequence and biophysical properties (such as structural, functional, and spatial information, amino acid conservation, physicochemical variation, residue mobility, and thermodynamic stability) performed at Invitae indicates that this missense variant is not expected to disrupt BRIP1 protein function with a negative predictive value of 80%. In summary, the available evidence is currently insufficient to determine the role of this variant in disease. Therefore, it has been classified as a Variant of Uncertain Significance.